The following is an entry in ClinVar:

ClinVar aggregate classification (germline): Uncertain significance. Review status: criteria provided, multiple submitters, no conflicts (2 of 4 stars). 2 submissions from 2 submitters: Uncertain significance (2). Last evaluated 2022-06-24.

Conditions:
Vitamin K-dependent clotting factors, combined deficiency of, type 1. Also called: FACTORS II, VII, IX, AND X, COMBINED DEFICIENCY OF; FAMILIAL MULTIPLE COAGULATION FACTOR DEFICIENCY III; FMFD III; GLUTAMIC ACID, DEFICIENT GAMMA-CARBOXYLATION OF; MULTIPLE COAGULATION FACTOR DEFICIENCY III; VITAMIN K-DEPENDENT COAGULATION DEFECT. Identifiers: Orphanet 98434, MedGen C1848534, MONDO:0010187, OMIM 277450.

Allele frequency attached by ClinVar (database versions not stated): ExAC 0.00002; gnomAD 0.00002; gnomAD exomes 0.00003 and 0.00008; TOPMed 0.00004; ESP Exome Variant Server 0.00015.
gnomAD v4.1: 129 of 1,614,106 alleles (0.008%); highest among the groups gnomAD compares: Non-Finnish European, 0.0097%; no homozygotes.

Submissions (2):

Labcorp Genetics (formerly Invitae), Labcorp
Classification: Uncertain significance. Last evaluated: 2022-06-24. Review status: criteria provided, single submitter. Criteria: Invitae Variant Classification Sherloc (09022015). Collection method: clinical testing. Allele origin: germline.
Comment: This sequence change replaces aspartic acid, which is acidic and polar, with asparagine, which is neutral and polar, at codon 417 of the GGCX protein (p.Asp417Asn). This variant is present in population databases (rs370517365, gnomAD 0.005%). This missense change has been observed in individual(s) with pulmonary arterial hypertension (PMID: 31727138). ClinVar contains an entry for this variant (Variation ID: 896484). Algorithms developed to predict the effect of missense changes on protein structure and function are either unavailable or do not agree on the potential impact of this missense change (SIFT: "Deleterious"; PolyPhen-2: "Probably Damaging"; Align-GVGD: "Class C0"). In summary, the available evidence is currently insufficient to determine the role of this variant in disease. Therefore, it has been classified as a Variant of Uncertain Significance.

Illumina Laboratory Services, Illumina
Classification: Uncertain significance for Vitamin K-dependent clotting factors, combined deficiency of, type 1. Last evaluated: 2018-01-12. Review status: criteria provided, single submitter. Criteria: ICSL Variant Classification Criteria 13 December 2019. Collection method: clinical testing. Allele origin: germline.

Literature cited by the submitters: PubMed 31727138 (cited by Labcorp Genetics (formerly Invitae), Labcorp).

NM_000821.7(GGCX):c.1249G>A (p.Asp417Asn)

Gene: GGCX (gamma-glutamyl carboxylase; minus strand). Cytogenetic location: 2p11.2.
Variant type: single nucleotide variant.
Coding change: c.1249G>A on transcript NM_000821.7 (MANE Select); coding-DNA position 1249, G replaced by A.
Protein change: p.Asp417Asn; replaces aspartic acid 417 with asparagine.
Molecular consequence: missense variant.
Genome position (GRCh38, 1-based): chr2:85,552,977, C>T on the plus strand (G>A on the coding strand, the complement: GGCX is on the minus strand). VCF-style: chr2-85552977-C-T. GRCh37 (hg19) VCF-style: chr2-85780100-C-T.
Other names: c.1078G>A, p.Asp360Asn (NM_001142269.4); short protein forms D360N, D417N.
Identifiers: ClinVar variation 896484 (VCV000896484.5), dbSNP rs370517365, ClinGen allele CA1741876.